The following is an entry in ClinVar:

NM_000057.4(BLM):c.1352A>C (p.Lys451Thr)

Gene: BLM (BLM RecQ like helicase; plus strand). Cytogenetic location: 15q26.1.
Variant type: single nucleotide variant.
Coding change: c.1352A>C on transcript NM_000057.4 (MANE Select); coding-DNA position 1352, A replaced by C.
Protein change: p.Lys451Thr; replaces lysine 451 with threonine.
Molecular consequence: missense variant.
Genome position (GRCh38, 1-based): chr15:90,760,725, A>C. VCF-style: chr15-90760725-A-C. GRCh37 (hg19) VCF-style: chr15-91303955-A-C.
Other names: c.1352A>C, p.Lys451Thr (NM_001287246.2, NM_001287247.2); c.227A>C, p.Lys76Thr (NM_001287248.2); short protein forms K451T, K76T.
Identifiers: ClinVar variation 1770624 (VCV001770624.2), dbSNP rs749051692, ClinGen allele CA7738527.

ClinVar aggregate classification (germline): Uncertain significance (1 of 4 stars; one submission).

Conditions:
Hereditary cancer-predisposing syndrome. Also called: Hereditary Cancer Syndrome; Hereditary neoplastic syndrome; Neoplastic Syndromes, Hereditary; Tumor predisposition. Identifiers: Orphanet 140162, MedGen C0027672, MeSH D009386, MONDO:0015356.

Allele frequency attached by ClinVar (database versions not stated): ExAC 0.00002.
gnomAD v4.1: 2 of 1,614,170 alleles (0.00012%); highest among the groups gnomAD compares: Non-Finnish European, 0.00017%; no homozygotes.

Submission:

Ambry Genetics
Classification: Uncertain significance for Hereditary cancer-predisposing syndrome. Last evaluated: 2021-11-23. Review status: criteria provided, single submitter. Criteria: Ambry Variant Classification Scheme 2023. Collection method: clinical testing. Allele origin: germline.
Comment: The p.K451T variant (also known as c.1352A>C), located in coding exon 6 of the BLM gene, results from an A to C substitution at nucleotide position 1352. The lysine at codon 451 is replaced by threonine, an amino acid with similar properties. This amino acid position is conserved. In addition, this alteration is predicted to be tolerated by in silico analysis. Since supporting evidence is limited at this time, the clinical significance of this alteration remains unclear.